The following is an entry in ClinVar:

ClinVar aggregate classification (germline): Uncertain significance. Review status: criteria provided, multiple submitters, no conflicts (2 of 4 stars). 2 submissions from 2 submitters: Uncertain significance (2). Last evaluated 2023-04-26.

Conditions:
Familial thoracic aortic aneurysm and aortic dissection (TAAD). Also called: Thoracic aortic aneurysms and dissections. Identifiers: Orphanet 91387, MedGen C4707243, MONDO:0019625.
Aortic aneurysm, familial thoracic 7 (AAT7). Also called: AORTIC DISSECTION, FAMILIAL, WITH OR WITHOUT AORTIC ANEURYSM. Identifiers: MedGen C3151077, MONDO:0013418, OMIM 613780.

Allele frequency attached by ClinVar (database versions not stated): gnomAD exomes below 0.00001 and 0.00001; gnomAD 0.00001; TOPMed 0.00002.
gnomAD v4.1: 16 of 1,613,754 alleles (0.00099%); highest among the groups gnomAD compares: South Asian, 0.0044%; no homozygotes.

Submissions (2):

Labcorp Genetics (formerly Invitae), Labcorp
Classification: Uncertain significance for Aortic aneurysm, familial thoracic 7. Last evaluated: 2023-04-26. Review status: criteria provided, single submitter. Criteria: Invitae Variant Classification Sherloc (09022015). Collection method: clinical testing. Allele origin: germline.
Comment: In summary, the available evidence is currently insufficient to determine the role of this variant in disease. Therefore, it has been classified as a Variant of Uncertain Significance. Advanced modeling of protein sequence and biophysical properties (such as structural, functional, and spatial information, amino acid conservation, physicochemical variation, residue mobility, and thermodynamic stability) performed at Invitae indicates that this missense variant is not expected to disrupt MYLK protein function. ClinVar contains an entry for this variant (Variation ID: 520005). This variant has not been reported in the literature in individuals affected with MYLK-related conditions. This variant is present in population databases (no rsID available, gnomAD 0.003%). This sequence change replaces arginine, which is basic and polar, with glutamine, which is neutral and polar, at codon 799 of the MYLK protein (p.Arg799Gln).

Ambry Genetics
Classification: Uncertain significance for Familial thoracic aortic aneurysm and aortic dissection. Last evaluated: 2017-03-23. Review status: criteria provided, single submitter. Criteria: Ambry Variant Classification Scheme 2023. Collection method: clinical testing. Allele origin: germline.
Comment: The p.R799Q variant (also known as c.2396G>A), located in coding exon 14 of the MYLK gene, results from a G to A substitution at nucleotide position 2396. The arginine at codon 799 is replaced by glutamine, an amino acid with highly similar properties. This amino acid position is not well conserved in available vertebrate species, and glutamine is the reference amino acid in other vertebrate species. In addition, this alteration is predicted to be tolerated by in silico analysis. Since supporting evidence is limited at this time, the clinical significance of this alteration remains unclear.

NM_053025.4(MYLK):c.2396G>A (p.Arg799Gln)

Gene: MYLK (myosin light chain kinase; minus strand). Cytogenetic location: 3q21.1.
Variant type: single nucleotide variant.
Coding change: c.2396G>A on transcript NM_053025.4 (MANE Select); coding-DNA position 2396, G replaced by A.
Protein change: p.Arg799Gln; replaces arginine 799 with glutamine.
Molecular consequence: missense variant.
Genome position (GRCh38, 1-based): chr3:123,701,504, C>T on the plus strand (G>A on the coding strand, the complement: MYLK is on the minus strand). VCF-style: chr3-123701504-C-T. GRCh37 (hg19) VCF-style: chr3-123420351-C-T.
Other names: c.1868G>A, p.Arg623Gln (NM_001321309.2); c.2189G>A, p.Arg730Gln (NM_053026.4, NM_053028.4); c.2396G>A, p.Arg799Gln (NM_053027.4); short protein forms R799Q, R623Q, R730Q.
Identifiers: ClinVar variation 520005 (VCV000520005.7), dbSNP rs1435664878, ClinGen allele CA354232756.